The following is an entry in ClinVar:

NM_003242.6(TGFBR2):c.94+16245G>A

Gene: TGFBR2 (transforming growth factor beta receptor 2; plus strand). Cytogenetic location: 3p24.1.
Variant type: single nucleotide variant.
Coding change: c.94+16245G>A on transcript NM_003242.6 (MANE Select); 16245 bases into the intron after coding-DNA position 94, G replaced by A.
Molecular consequence: intron variant. On other transcripts: missense variant (5).
Genome position (GRCh38, 1-based): chr3:30,623,222, G>A. VCF-style: chr3-30623222-G-A. GRCh37 (hg19) VCF-style: chr3-30664714-G-A.
Other names: c.118G>A, p.Asp40Asn (NM_001024847.3, NM_001407126.1, NM_001407137.1 and 1 more transcripts); c.70G>A, p.Asp24Asn (NM_001407128.1); c.-166G>A (NM_001407133.1); c.-176G>A (NM_001407136.1); short protein forms D40N, D24N.
Identifiers: ClinVar variation 378727 (VCV000378727.49), dbSNP rs61732532, ClinGen allele CA050358.

ClinVar aggregate classification (germline): Conflicting classifications of pathogenicity. Review status: criteria provided, conflicting classifications (1 of 4 stars). 11 submissions from 11 submitters: Uncertain risk allele (1); Likely benign (6). 4 of the submissions do not count toward it. Last evaluated 2026-04-01.

Conditions:
Familial thoracic aortic aneurysm and aortic dissection (TAAD). Also called: Thoracic aortic aneurysms and dissections. Identifiers: Orphanet 91387, MedGen C4707243, MONDO:0019625.
TGFBR2-related disorder. Also called: TGFBR2-related condition.
Diabetic retinopathy. Identifiers: MedGen C0011884, MONDO:0005266.

Allele frequency attached by ClinVar (database versions not stated): TOPMed 0.00093; gnomAD 0.00111; 1000 Genomes Project 0.00120; 1000 Genomes Project 30x 0.00125; gnomAD exomes 0.00130 and 0.00137; ExAC 0.00162; ESP Exome Variant Server 0.00215.
gnomAD v4.1: 2,021 of 1,600,556 alleles (0.13%); highest among the groups gnomAD compares: Non-Finnish European, 0.14%; no homozygotes.

Submissions (11):

CeGaT Center for Human Genetics Tuebingen
Classification: Likely benign. Last evaluated: 2026-04-01. Review status: criteria provided, single submitter. Criteria: CeGaT Center For Human Genetics Tuebingen Variant Classification Criteria Version 2. Collection method: clinical testing. Allele origin: germline. Affected: yes. Observed: 9 variant alleles.
Comment: TGFBR2: BP4, BS1

ARUP Laboratories, Molecular Genetics and Genomics, ARUP Laboratories
Classification: Likely benign. Last evaluated: 2025-07-23. Review status: criteria provided, single submitter. Criteria: ARUP Molecular Germline Variant Investigation Process 2024. Collection method: clinical testing. Allele origin: germline.

Blueprint Genetics
Classification: Likely benign. Last evaluated: 2024-11-12. Review status: criteria provided, single submitter. Criteria: ACMG Guidelines, 2015. Collection method: clinical testing. Allele origin: germline.

CHEO Genetics Diagnostic Laboratory, Children's Hospital of Eastern Ontario
Classification: Likely benign for Familial thoracic aortic aneurysm and aortic dissection. Last evaluated: 2019-05-07. Review status: criteria provided, single submitter. Criteria: ACMG Guidelines, 2015. Collection method: clinical testing. Allele origin: germline. Study: Canadian Open Genetics Repository.

Color Diagnostics, LLC DBA Color Health
Classification: Likely benign for Familial thoracic aortic aneurysm and aortic dissection. Last evaluated: 2018-03-14. Review status: criteria provided, single submitter. Criteria: ACMG Guidelines, 2015. Collection method: clinical testing. Allele origin: germline.

GeneDx
Classification: Likely benign. Last evaluated: 2017-09-26. Review status: criteria provided, single submitter. Criteria: GeneDx Variant Classification (06012015). Collection method: clinical testing. Allele origin: germline. Affected: yes.
Comment: This variant is considered likely benign or benign based on one or more of the following criteria: it is a conservative change, it occurs at a poorly conserved position in the protein, it is predicted to be benign by multiple in silico algorithms, and/or has population frequency not consistent with disease.

Clinical Genomics, Uppaluri K&H Personalized Medicine Clinic
Classification: Uncertain risk allele for Diabetic retinopathy. Review status: criteria provided, single submitter. Criteria: K And H Uppaluri Personalized Medicine Clinic Variant Classification And Assertion Criteria Updated V 2. Collection method: research. Allele origin: unknown.
Comment: Potent mutations in TGFBR2 gene encodes the transforming growth factor that have been associated with angiogenesis and diabetic retinopathy. More clinical studies are needed for stronger association. However, more evidence is required to confer the association of this particular variant rs61732532 with diabetic retinopathy.

PreventionGenetics, part of Exact Sciences
Classification: Likely benign for TGFBR2-related condition. Last evaluated: 2019-04-01. Review status: no assertion criteria provided. Collection method: clinical testing. Allele origin: germline. Not counted in ClinVar's aggregate classification.
Comment: This variant is classified as likely benign based on ACMG/AMP sequence variant interpretation guidelines (Richards et al. 2015 PMID: 25741868, with internal and published modifications).

Clinical Genetics DNA and cytogenetics Diagnostics Lab, Erasmus MC, Erasmus Medical Center
Classification: Likely benign. Review status: no assertion criteria provided. Collection method: clinical testing. Allele origin: germline. Affected: yes. Study: VKGL Data-share Consensus. Not counted in ClinVar's aggregate classification.

Genome Diagnostics Laboratory, Amsterdam University Medical Center
Classification: Likely benign. Review status: no assertion criteria provided. Collection method: clinical testing. Allele origin: germline. Affected: yes. Study: VKGL Data-share Consensus. Not counted in ClinVar's aggregate classification.

Laboratory of Diagnostic Genome Analysis, Leiden University Medical Center (LUMC)
Classification: Likely benign. Review status: no assertion criteria provided. Collection method: clinical testing. Allele origin: germline. Affected: yes. Study: VKGL Data-share Consensus. Not counted in ClinVar's aggregate classification.

Literature cited by the submitters: PubMed 30222965 (cited by Clinical Genomics, Uppaluri K&H Personalized Medicine Clinic); PubMed 28162229 (cited by Clinical Genomics, Uppaluri K&H Personalized Medicine Clinic); PubMed 34572573 (cited by Clinical Genomics, Uppaluri K&H Personalized Medicine Clinic).